The following is an entry in ClinVar:

NM_002197.3(ACO1):c.*6G>A

Gene: ACO1 (aconitase 1; plus strand). Cytogenetic location: 9p21.1.
Variant type: single nucleotide variant.
Coding change: c.*6G>A on transcript NM_002197.3 (MANE Select); 6 bases downstream of the stop codon, G replaced by A.
Molecular consequence: 3 prime UTR variant.
Genome position (GRCh38, 1-based): chr9:32,450,117, G>A. VCF-style: chr9-32450117-G-A. GRCh37 (hg19) VCF-style: chr9-32450115-G-A.
Other names: c.*6G>A (NM_001278352.2, NM_001362840.2).
Identifiers: ClinVar variation 4683386 (VCV004683386.1).

ClinVar aggregate classification (germline): Likely benign (1 of 4 stars; one submission).

Submission:

Mayo Clinic Laboratories, Mayo Clinic
Classification: Likely benign. Last evaluated: 2025-09-16. Review status: criteria provided, single submitter. Criteria: ACMG Guidelines, 2015. Collection method: clinical testing. Allele origin: germline. Observed: 3 variant alleles.
Comment: BP4, BP7